The following is an entry in ClinVar:

NM_182961.4(SYNE1):c.25359G>A (p.Trp8453Ter)

Gene: SYNE1 (spectrin repeat containing nuclear envelope protein 1; minus strand). Cytogenetic location: 6q25.2.
Variant type: single nucleotide variant.
Coding change: c.25359G>A on transcript NM_182961.4 (MANE Select); coding-DNA position 25359, G replaced by A.
Protein change: p.Trp8453Ter; replaces tryptophan 8453 with a stop codon.
Molecular consequence: nonsense.
Genome position (GRCh38, 1-based): chr6:152,140,049, C>T on the plus strand (G>A on the coding strand, the complement: SYNE1 is on the minus strand). VCF-style: chr6-152140049-C-T. GRCh37 (hg19) VCF-style: chr6-152461184-C-T.
Other names: c.1965G>A, p.Trp655Ter (NM_001347701.2); c.1893G>A, p.Trp631Ter (NM_001347702.2); c.25215G>A, p.Trp8405Ter (NM_033071.5); short protein forms W655*, W8405*, W631*, W8453*.
Identifiers: ClinVar variation 2085656 (VCV002085656.4), dbSNP rs1229627235, ClinGen allele CA366080331.
Genomic context (GRCh38, chr6:152,140,049, plus strand): 5'-AGTGCTGAGTTCCAGACGCTGGAGCTGTTCCAACTCCTCCTCCGTGTCCCCCAGCCAGGC[C>T]CAGATGCTGTTCAAGTCTGAGTTAAACTGCTGCCACTTCTGGAGGTTCTGCTTCATCCTC-3'

ClinVar aggregate classification (germline): Pathogenic (1 of 4 stars; one submission).

Conditions:
Emery-Dreifuss muscular dystrophy 4, autosomal dominant (EDMD4). Also called: EMERY-DREIFUSS MUSCULAR DYSTROPHY 4 WITH VARIABLE FEATURES. Identifiers: Orphanet 261, MedGen C2751807, MONDO:0013071, OMIM 612998.
Autosomal recessive ataxia, Beauce type. Also called: SYNE1 Deficiency; Spinocerebellar ataxia, autosomal recessive 8; ATAXIA, RECESSIVE, OF BEAUCE; SYNE1-Related Autosomal Recessive Cerebellar Ataxia. Identifiers: Orphanet 88644, MedGen C1853116, MONDO:0012549, OMIM 610743.

Submission:

Labcorp Genetics (formerly Invitae), Labcorp
Classification: Pathogenic for Emery-Dreifuss muscular dystrophy 4, autosomal dominant; Autosomal recessive ataxia, Beauce type. Last evaluated: 2022-01-16. Review status: criteria provided, single submitter. Criteria: Invitae Variant Classification Sherloc (09022015). Collection method: clinical testing. Allele origin: germline.
Comment: This sequence change creates a premature translational stop signal (p.Trp8405*) in the SYNE1 gene. It is expected to result in an absent or disrupted protein product. Loss-of-function variants in SYNE1 are known to be pathogenic (PMID: 19542096, 24319099, 27086870). For these reasons, this variant has been classified as Pathogenic. This variant has not been reported in the literature in individuals affected with SYNE1-related conditions. This variant is not present in population databases (gnomAD no frequency).

Literature cited by the submitters: PubMed 19542096; PubMed 24319099; PubMed 27086870.